The following is an entry in ClinVar:

NM_001379451.1(BCORL1):c.5207C>T (p.Ser1736Phe)

Gene: BCORL1 (BCL6 corepressor like 1; plus strand). Cytogenetic location: Xq26.1.
Variant type: single nucleotide variant.
Coding change: c.5207C>T on transcript NM_001379451.1 (MANE Select); coding-DNA position 5207, C replaced by T.
Protein change: p.Ser1736Phe; replaces serine 1736 with phenylalanine.
Molecular consequence: missense variant.
Genome position (GRCh38, 1-based): chrX:130,055,985, C>T. VCF-style: chrX-130055985-C-T. GRCh37 (hg19) VCF-style: chrX-129189960-C-T.
Other names: c.5207C>T, p.Ser1736Phe (NM_001184772.3, NM_001379450.1, NM_001441326.1 and 2 more transcripts); c.4817C>T, p.Ser1606Phe (NM_001441329.1, NM_001441330.1, NM_001441331.1 and 1 more transcripts); c.4985C>T, p.Ser1662Phe (NM_021946.5); short protein forms S1606F, S1662F, S1736F.
Identifiers: ClinVar variation 4823825 (VCV004823825.4).

ClinVar aggregate classification (germline): Uncertain significance (1 of 4 stars; one submission).

Submission:

CeGaT Center for Human Genetics Tuebingen
Classification: Uncertain significance. Last evaluated: 2026-03-01. Review status: criteria provided, single submitter. Criteria: CeGaT Center For Human Genetics Tuebingen Variant Classification Criteria Version 2. Collection method: clinical testing. Allele origin: germline. Affected: yes. Observed: 1 variant allele.
Comment: BCORL1: PM2, BP4